The following is an entry in ClinVar:

NM_003073.5(SMARCB1):c.800A>T (p.Asn267Ile)

Gene: SMARCB1 (SWI/SNF related BAF chromatin remodeling complex subunit B1; plus strand). Cytogenetic location: 22q11.23.
Variant type: single nucleotide variant.
Coding change: c.800A>T on transcript NM_003073.5 (MANE Select); coding-DNA position 800, A replaced by T.
Protein change: p.Asn267Ile; replaces asparagine 267 with isoleucine.
Molecular consequence: missense variant.
Genome position (GRCh38, 1-based): chr22:23,825,229, A>T. VCF-style: chr22-23825229-A-T. GRCh37 (hg19) VCF-style: chr22-24167416-A-T.
Other names: c.773A>T, p.Asn258Ile (NM_001007468.3); c.827A>T, p.Asn276Ile (NM_001317946.2); c.854A>T, p.Asn285Ile (NM_001362877.2); short protein forms N258I, N276I, N267I, N285I.
Identifiers: ClinVar variation 4827214 (VCV004827214.1).

ClinVar aggregate classification (germline): Uncertain significance (1 of 4 stars; one submission).

Conditions:
Hereditary cancer-predisposing syndrome. Also called: Neoplastic Syndromes, Hereditary; Tumor predisposition; Hereditary Cancer Syndrome; Hereditary neoplastic syndrome. Identifiers: Orphanet 140162, MedGen C0027672, MeSH D009386, MONDO:0015356.

Submission:

Ambry Genetics
Classification: Uncertain significance for Hereditary cancer-predisposing syndrome. Last evaluated: 2026-03-02. Review status: criteria provided, single submitter. Criteria: Ambry Variant Classification Scheme 2023. Collection method: clinical testing. Allele origin: germline.
Comment: The p.N267I variant (also known as c.800A>T), located in coding exon 7 of the SMARCB1 gene, results from an A to T substitution at nucleotide position 800. The asparagine at codon 267 is replaced by isoleucine, an amino acid with dissimilar properties. This amino acid position is conserved. In addition, this alteration is predicted to be deleterious by in silico analysis. Based on the available evidence, the clinical significance of this variant remains unclear.